The following is an entry in ClinVar:

NM_001367624.2(ZNF469):c.7976G>C (p.Gly2659Ala)

Gene: ZNF469 (zinc finger protein 469; plus strand). Cytogenetic location: 16q24.2.
Variant type: single nucleotide variant.
Coding change: c.7976G>C on transcript NM_001367624.2 (MANE Select); coding-DNA position 7976, G replaced by C.
Protein change: p.Gly2659Ala; replaces glycine 2659 with alanine.
Molecular consequence: missense variant.
Genome position (GRCh38, 1-based): chr16:88,435,446, G>C. VCF-style: chr16-88435446-G-C. GRCh37 (hg19) VCF-style: chr16-88501854-G-C.
Other names: NM_001127464.1:c.7892G>C; short protein forms G2659A.
Identifiers: ClinVar variation 1761054 (VCV001761054.2), dbSNP rs535466615, ClinGen allele CA286383316.

ClinVar aggregate classification (germline): Uncertain significance (1 of 4 stars; one submission).

Conditions:
Cardiovascular phenotype. Identifiers: MedGen CN230736.

gnomAD v4.1: 3 of 1,549,882 alleles (0.00019%); highest among the groups gnomAD compares: Non-Finnish European, 0.00026%; no homozygotes.

Submission:

Ambry Genetics
Classification: Uncertain significance for Cardiovascular phenotype. Last evaluated: 2021-09-21. Review status: criteria provided, single submitter. Criteria: Ambry Variant Classification Scheme 2023. Collection method: clinical testing. Allele origin: germline.
Comment: The p.G2631A variant (also known as c.7892G>C), located in coding exon 2 of the ZNF469 gene, results from a G to C substitution at nucleotide position 7892. The glycine at codon 2631 is replaced by alanine, an amino acid with similar properties. This amino acid position is conserved. In addition, this alteration is predicted to be tolerated by in silico analysis. Since supporting evidence is limited at this time, the clinical significance of this alteration remains unclear.